The following is an entry in ClinVar:

ClinVar aggregate classification (germline): Pathogenic (1 of 4 stars; one submission).

Conditions:
Congenital aniridia. Also called: Aniridia. Identifiers: MedGen C0003076, MONDO:0019172, HP:0000526.

Submission:

Genetics Department, University Hospital of Toulouse
Classification: Pathogenic for Congenital aniridia. Last evaluated: 2022-10-15. Review status: criteria provided, single submitter. Criteria: ACMG Guidelines, 2015. Collection method: clinical testing. Allele origin: germline. Affected: yes.
Comment: P (PVS1, PS2, PM2)

NM_001368894.2(PAX6):c.1017del (p.Tyr340fs)

Gene: PAX6 (paired box 6; minus strand). Cytogenetic location: 11p13.
Variant type: Deletion.
Coding change: c.1017del on transcript NM_001368894.2 (MANE Select); coding-DNA position 1017, one base deleted (C; older notation c.1017delC).
Protein change: p.Tyr340fs; shifts the reading frame from tyrosine 340.
Molecular consequence: frameshift variant. On other transcripts: non-coding transcript variant (2).
Genome position (GRCh38, 1-based): chr11:31,793,495, G deleted on the plus strand (C on the coding strand, the reverse complement: PAX6 is on the minus strand); the first of 2 consecutive G bases (chr11:31,793,495-31,793,496); deleting either gives the same sequence. VCF-style (leftmost placement, unchanged base first): chr11-31793494-AG-A. GRCh37 (hg19) VCF-style: chr11-31815042-AG-A.
Other names: c.1017del, p.Tyr340fs (NM_001258462.3, NM_001258463.2, NM_001310158.2 and 6 more transcripts); c.975del, p.Tyr326fs (NM_001258464.2, NM_001258465.3, NM_001310159.1 and 10 more transcripts); c.567del, p.Tyr190fs (NM_001310160.2, NM_001310161.3, NM_001368899.2 and 11 more transcripts); c.1218del, p.Tyr407fs (NM_001368910.2); c.1020del, p.Tyr341fs (NM_001368911.2); c.1092del, p.Tyr365fs (NM_001368918.2, NM_001368919.2); c.1050del, p.Tyr351fs (NM_001368920.2); c.816del, p.Tyr273fs (NM_001368921.2, NM_001368922.2, NM_001368923.2 and 4 more transcripts); and 2 more; short protein forms Y125fs, Y190fs, Y259fs, Y273fs, Y326fs, Y340fs, Y341fs, Y351fs.
Identifiers: ClinVar variation 1710346 (VCV001710346.1), dbSNP rs2495062112, ClinGen allele CA2580082900.
Genomic context (GRCh38, chr11:31,793,494, plus strand): 5'-TTACTTGCATAGGCAGGTTATTTGCCATGGTGAAGCTGGGCATAGGCGGCAGAGCGCTGT[AG>A]GTGTTTGTGAGGGCTGTGTCTGTTCGGCCCAACATGGAGCCAGATGTGAAGGAGGAAACT-3'